The following is an entry in ClinVar:

ClinVar aggregate classification (germline): Pathogenic (1 of 4 stars; one submission).

Conditions:
Brachyolmia-amelogenesis imperfecta syndrome. Also called: Tooth agenesis, selective, 6; Dental anomalies and short stature; PLATYSPONDYLY WITH AMELOGENESIS IMPERFECTA. Identifiers: Orphanet 2899, MedGen C1832594, MONDO:0011018, OMIM 601216. Disease mechanism: loss of function.

Submission:

Labcorp Genetics (formerly Invitae), Labcorp
Classification: Pathogenic for Brachyolmia-amelogenesis imperfecta syndrome. Last evaluated: 2023-06-07. Review status: criteria provided, single submitter. Criteria: Invitae Variant Classification Sherloc (09022015). Collection method: clinical testing. Allele origin: germline.
Comment: This sequence change creates a premature translational stop signal (p.Pro549Argfs*17) in the LTBP3 gene. It is expected to result in an absent or disrupted protein product. Loss-of-function variants in LTBP3 are known to be pathogenic (PMID: 11790802, 19344874, 25669657). This variant is not present in population databases (gnomAD no frequency). This variant has not been reported in the literature in individuals affected with LTBP3-related conditions. For these reasons, this variant has been classified as Pathogenic.

Literature cited by the submitters: PubMed 11790802; PubMed 19344874; PubMed 25669657.

NM_001130144.3(LTBP3):c.1646del (p.Pro549fs)

Gene: LTBP3 (latent transforming growth factor beta binding protein 3; minus strand). Cytogenetic location: 11q13.1.
Variant type: Deletion.
Coding change: c.1646del on transcript NM_001130144.3 (MANE Select); coding-DNA position 1646, one base deleted (C; older notation c.1646delC).
Protein change: p.Pro549fs; shifts the reading frame from proline 549.
Molecular consequence: frameshift variant.
Genome position (GRCh38, 1-based): chr11:65,551,200, G deleted on the plus strand (C on the coding strand, the reverse complement: LTBP3 is on the minus strand); the first of 5 consecutive G bases (chr11:65,551,200-65,551,204); deleting any one gives the same sequence. VCF-style (leftmost placement, unchanged base first): chr11-65551199-CG-C. GRCh37 (hg19) VCF-style: chr11-65318670-CG-C.
Other names: c.1295del, p.Pro432fs (NM_001164266.1); c.1646del, p.Pro549fs (NM_021070.4); short protein forms P432fs, P549fs.
Identifiers: ClinVar variation 2697671 (VCV002697671.3), dbSNP rs2496165386, ClinGen allele CA2574875989.